The following is an entry in ClinVar:

NM_000444.6(PHEX):c.733-2A>C

Gene: PHEX (phosphate regulating endopeptidase X-linked; plus strand). Cytogenetic location: Xp22.11.
Variant type: single nucleotide variant.
Coding change: c.733-2A>C on transcript NM_000444.6 (MANE Select); the canonical splice acceptor site of the intron before coding-DNA position 733, A replaced by C.
Molecular consequence: splice acceptor variant.
Genome position (GRCh38, 1-based): chrX:22,093,981, A>C. VCF-style: chrX-22093981-A-C. GRCh37 (hg19) VCF-style: chrX-22112099-A-C.
Other names: c.733-2A>C (NM_001282754.2).
Identifiers: ClinVar variation 1066718 (VCV001066718.9), dbSNP rs886041496, ClinGen allele CA412572249.

ClinVar aggregate classification (germline): Pathogenic (1 of 4 stars; one submission).

Submission:

Labcorp Genetics (formerly Invitae), Labcorp
Classification: Pathogenic. Last evaluated: 2022-10-28. Review status: criteria provided, single submitter. Criteria: Invitae Variant Classification Sherloc (09022015). Collection method: clinical testing. Allele origin: germline.
Comment: Algorithms developed to predict the effect of sequence changes on RNA splicing suggest that this variant may disrupt the consensus splice site. For these reasons, this variant has been classified as Pathogenic. Disruption of this splice site has been observed in individuals with clinical features of hypophosphatemic rickets (PMID: 9097956; Invitae). ClinVar contains an entry for this variant (Variation ID: 1066718). This variant is not present in population databases (gnomAD no frequency). This sequence change affects an acceptor splice site in intron 6 of the PHEX gene. It is expected to disrupt RNA splicing. Variants that disrupt the donor or acceptor splice site typically lead to a loss of protein function (PMID: 16199547), and loss-of-function variants in PHEX are known to be pathogenic (PMID: 9097956, 9106524, 19219621).

Literature cited by the submitters: PubMed 9097956; PubMed 16199547; PubMed 9106524; PubMed 19219621.